The following is an entry in ClinVar:

ClinVar aggregate classification (germline): Uncertain significance (1 of 4 stars; one submission).

Conditions:
Hereditary cancer-predisposing syndrome. Also called: Tumor predisposition; Neoplastic Syndromes, Hereditary; Hereditary Cancer Syndrome; Hereditary neoplastic syndrome. Identifiers: Orphanet 140162, MedGen C0027672, MeSH D009386, MONDO:0015356.

Submission:

Ambry Genetics
Classification: Uncertain significance for Hereditary cancer-predisposing syndrome. Last evaluated: 2022-04-10. Review status: criteria provided, single submitter. Criteria: Ambry Variant Classification Scheme 2023. Collection method: clinical testing. Allele origin: germline.
Comment: The p.K108T variant (also known as c.323A>C), located in coding exon 3 of the MUTYH gene, results from an A to C substitution at nucleotide position 323. The lysine at codon 108 is replaced by threonine, an amino acid with similar properties. This amino acid position is conserved. In addition, the in silico prediction for this alteration is inconclusive. Since supporting evidence is limited at this time, the clinical significance of this alteration remains unclear.

NM_001048174.2(MUTYH):c.239A>C (p.Lys80Thr)

Gene: MUTYH (mutY DNA glycosylase; minus strand). Cytogenetic location: 1p34.1.
Variant type: single nucleotide variant.
Coding change: c.239A>C on transcript NM_001048174.2 (MANE Select); coding-DNA position 239, A replaced by C.
Protein change: p.Lys80Thr; replaces lysine 80 with threonine.
Molecular consequence: missense variant. On other transcripts: 5 prime UTR variant (4), non-coding transcript variant (2).
Genome position (GRCh38, 1-based): chr1:45,333,438, T>G on the plus strand (A>C on the coding strand, the complement: MUTYH is on the minus strand). VCF-style: chr1-45333438-T-G. GRCh37 (hg19) VCF-style: chr1-45799110-T-G.
Other names: c.239A>C, p.Lys80Thr (NM_001048171.2, NM_001048173.2, NM_001293195.2 and 6 more transcripts); c.242A>C, p.Lys81Thr (NM_001048172.2, NM_001407071.1, NM_001407078.1 and 2 more transcripts); c.323A>C, p.Lys108Thr (NM_001128425.2); c.284A>C, p.Lys95Thr (NM_001293190.2); c.272A>C, p.Lys91Thr (NM_001293191.2, NM_001407077.1); c.-38A>C (NM_001293192.2, NM_001293196.2, NM_001407091.1); c.-33A>C (NM_001350650.2, NM_001350651.2, NM_001407082.1); c.314A>C, p.Lys105Thr (NM_001407069.1, NM_012222.3); and 3 more; short protein forms K108T, K87T, K94T, K80T, K81T, K95T, K105T, K52T.
Identifiers: ClinVar variation 1729270 (VCV001729270.2), dbSNP rs1645350346, ClinGen allele CA340136379.
Genomic context (GRCh38, chr1:45,333,438, plus strand): 5'-CTCCCACCCACTGTCCCTGCTCCTCGCCTGCCTACCCGTCTTCTCCATGGTAGGTCCCGT[T>G]TCTCTTGGTCGTACCAGCTTAGCAGGCTCCCTCGGAAGGCTGTGACTTCAGCTACGTCTC-3'
Protein context (NP_001041639.1, residues 70-90): GSLLSWYDQE[Lys80Thr]RDLPWRRRAE